The following is an entry in ClinVar:

NM_002755.4(MAP2K1):c.406G>A (p.Asp136Asn)

Gene: MAP2K1 (mitogen-activated protein kinase kinase 1; plus strand). Cytogenetic location: 15q22.31.
Variant type: single nucleotide variant.
Coding change: c.406G>A on transcript NM_002755.4 (MANE Select); coding-DNA position 406, G replaced by A.
Protein change: p.Asp136Asn; replaces aspartic acid 136 with asparagine.
Molecular consequence: missense variant.
Genome position (GRCh38, 1-based): chr15:66,436,860, G>A. VCF-style: chr15-66436860-G-A. GRCh37 (hg19) VCF-style: chr15-66729198-G-A.
Other names: c.340G>A, p.Asp114Asn (NM_001411065.1); short protein forms D114N, D136N.
Identifiers: ClinVar variation 5038384 (VCV005038384.1).
Genomic context (GRCh38, chr15:66,436,860, plus strand): 5'-CAGGTTCTGCATGAGTGCAACTCTCCGTACATCGTGGGCTTCTATGGTGCGTTCTACAGC[G>A]ATGGCGAGATCAGTATCTGCATGGAGCACATGGTATGTGACACCCTCTCAGCCTCTGGAG-3'
Protein context (NP_002746.1, residues 126-146): IVGFYGAFYS[Asp136Asn]GEISICMEHM

ClinVar aggregate classification (germline): Uncertain significance (1 of 4 stars; one submission).

Conditions:
Cardiofaciocutaneous syndrome 3 (CFC3). Also called: MAP2K1-Related Cardiofaciocutaneous Syndrome. Identifiers: Orphanet 1340, MedGen C3809006, MONDO:0014113, OMIM 615279.

gnomAD v4.1: 1 of 1,614,030 alleles (0.000062%); highest among the groups gnomAD compares: Non-Finnish European, 0.000085%; no homozygotes.

Submission:

St. Jude Molecular Pathology, St. Jude Children's Research Hospital
Classification: Uncertain significance for Cardiofaciocutaneous syndrome 3. Last evaluated: 2026-10-01. Review status: criteria provided, single submitter. Criteria: St. Jude Assertion Criteria 2020. Collection method: clinical testing. Allele origin: germline.
Comment: The MAP2K1 c.406G>A p.(Asp136Asn) missense change is absent in gnomAD v2.1.1. The in silico tool REVEL is inconclusive about a pathogenic or benign effect of this variant on protein function, and t o our knowledge functional studies have not been performed. To our knowledge, this variant has not been reported in individuals with cardiofaciocutanous syndrome. In summary, the evidence currently available is insufficient to determine the clinical sign ificance of this variant. It has therefore been classified as of uncertain significance.Ã¢ € ¯Ã¢ € ¯